The following is an entry in ClinVar:

NM_004646.4(NPHS1):c.2144del (p.Gly715fs)

Gene: NPHS1 (NPHS1 adhesion molecule, nephrin; minus strand). Cytogenetic location: 19q13.12.
Variant type: Deletion.
Coding change: c.2144del on transcript NM_004646.4 (MANE Select); coding-DNA position 2144, one base deleted (G; older notation c.2144delG).
Protein change: p.Gly715fs; shifts the reading frame from glycine 715.
Molecular consequence: frameshift variant.
Genome position (GRCh38, 1-based): chr19:35,844,171, C deleted on the plus strand (G on the coding strand, the reverse complement: NPHS1 is on the minus strand); the first of 2 consecutive C bases (chr19:35,844,171-35,844,172); deleting either gives the same sequence. VCF-style (leftmost placement, unchanged base first): chr19-35844170-GC-G. GRCh37 (hg19) VCF-style: chr19-36335072-GC-G.
Other names: short protein forms G715fs.
Identifiers: ClinVar variation 5012335 (VCV005012335.1).

ClinVar aggregate classification (germline): Pathogenic (1 of 4 stars; one submission).

Conditions:
Finnish congenital nephrotic syndrome (NPHS1). Also called: NEPHROTIC SYNDROME, TYPE 1. Identifiers: Orphanet 839, MedGen C0403399, MONDO:0009732, OMIM 256300.

Submission:

Myriad Genetics, Inc.
Classification: Pathogenic for Finnish congenital nephrotic syndrome. Last evaluated: 2023-09-29. Review status: criteria provided, single submitter. Criteria: Myriad Autosomal Dominant, Autosomal Recessive and X-Linked Classification Criteria (2023). Collection method: clinical testing. Allele origin: unknown.
Comment: NM_004646.3(NPHS1):c.2144delG(G715Afs*37) is expected to be pathogenic in the context of nephrotic syndrome, NPHS1-related. This variant is predicted to lead to an abnormal or absent protein product due to the creation of a premature termination codon in NPHS1, a gene where loss-of-function variants are known to be pathogenic. Please note: this variant was assessed in the context of healthy population screening.